The following is an entry in ClinVar:

NM_033026.6(PCLO):c.4372A>C (p.Thr1458Pro)

Gene: PCLO (piccolo presynaptic cytomatrix protein; minus strand). Cytogenetic location: 7q21.11.
Variant type: single nucleotide variant.
Coding change: c.4372A>C on transcript NM_033026.6 (MANE Select); coding-DNA position 4372, A replaced by C.
Protein change: p.Thr1458Pro; replaces threonine 1458 with proline.
Molecular consequence: missense variant.
Genome position (GRCh38, 1-based): chr7:82,956,581, T>G on the plus strand (A>C on the coding strand, the complement: PCLO is on the minus strand). VCF-style: chr7-82956581-T-G. GRCh37 (hg19) VCF-style: chr7-82585897-T-G.
Other names: c.4372A>C, p.Thr1458Pro (NM_014510.3); short protein forms T1458P.
Identifiers: ClinVar variation 2130963 (VCV002130963.4), dbSNP rs2535712428, ClinGen allele CA367926969.

ClinVar aggregate classification (germline): Uncertain significance (1 of 4 stars; one submission).

Submission:

Labcorp Genetics (formerly Invitae), Labcorp
Classification: Uncertain significance. Last evaluated: 2022-04-27. Review status: criteria provided, single submitter. Criteria: Invitae Variant Classification Sherloc (09022015). Collection method: clinical testing. Allele origin: germline.
Comment: This variant has not been reported in the literature in individuals affected with PCLO-related conditions. In summary, the available evidence is currently insufficient to determine the role of this variant in disease. Therefore, it has been classified as a Variant of Uncertain Significance. Algorithms developed to predict the effect of missense changes on protein structure and function are either unavailable or do not agree on the potential impact of this missense change (SIFT: "Tolerated"; PolyPhen-2: "Not Available"; Align-GVGD: "Class C0"). This variant is not present in population databases (gnomAD no frequency). This sequence change replaces threonine, which is neutral and polar, with proline, which is neutral and non-polar, at codon 1458 of the PCLO protein (p.Thr1458Pro).